The following is an entry in ClinVar:

ClinVar aggregate classification (germline): Pathogenic (1 of 4 stars; one submission).

Submission:

Labcorp Genetics (formerly Invitae), Labcorp
Classification: Pathogenic. Last evaluated: 2026-01-28. Review status: criteria provided, single submitter. Criteria: Invitae Variant Classification Sherloc (09022015). Collection method: clinical testing. Allele origin: germline.
Comment: This sequence change creates a premature translational stop signal (p.Ser1626*) in the COL4A3 gene. It is expected to result in an absent or disrupted protein product. Loss-of-function variants in COL4A3 are known to be pathogenic (PMID: 8956999, 24854265, 26809805, 27281700). This variant is not present in population databases (gnomAD no frequency). This variant has not been reported in the literature in individuals affected with COL4A3-related conditions. For these reasons, this variant has been classified as Pathogenic.

Literature cited by the submitters: PubMed 8956999; PubMed 24854265; PubMed 26809805; PubMed 27281700.

NM_000091.5(COL4A3):c.4877C>G (p.Ser1626Ter)

Genes: COL4A3 (collagen type IV alpha 3 chain; plus strand), MFF-DT (MFF divergent transcript; minus strand). Cytogenetic location: 2q36.3.
Variant type: single nucleotide variant.
Coding change: c.4877C>G on transcript NM_000091.5 (MANE Select); coding-DNA position 4877, C replaced by G.
Protein change: p.Ser1626Ter; replaces serine 1626 with a stop codon.
Molecular consequence: nonsense.
Genome position (GRCh38, 1-based): chr2:227,310,897, C>G. VCF-style: chr2-227310897-C-G. GRCh37 (hg19) VCF-style: chr2-228175613-C-G.
Other names: short protein forms S1626*.
Identifiers: ClinVar variation 4736435 (VCV004736435.1).